The following is an entry in ClinVar:

NM_001972.4(ELANE):c.367-1G>A

Gene: ELANE (elastase, neutrophil expressed; plus strand). Cytogenetic location: 19p13.3.
Variant type: single nucleotide variant.
Coding change: c.367-1G>A on transcript NM_001972.4 (MANE Select); the canonical splice acceptor site of the intron before coding-DNA position 367, G replaced by A.
Molecular consequence: splice acceptor variant.
Genome position (GRCh38, 1-based): chr19:855,563, G>A. VCF-style: chr19-855563-G-A. GRCh37 (hg19) VCF-style: chr19-855563-G-A.
Identifiers: ClinVar variation 2944224 (VCV002944224.3), dbSNP rs1442062349, ClinGen allele CA402917680.

ClinVar aggregate classification (germline): Likely pathogenic (1 of 4 stars; one submission).

Conditions:
Neutropenia, severe congenital, 1, autosomal dominant. Identifiers: MedGen C1859966, MONDO:0042490, OMIM 202700.
Cyclical neutropenia. Also called: Cyclic hematopoiesis; Cyclic Neutropenia. Identifiers: Orphanet 2686, MedGen C0221023, MONDO:0008090, OMIM 162800, HP:0040289. Disease mechanism: loss of function.

Submission:

Labcorp Genetics (formerly Invitae), Labcorp
Classification: Likely pathogenic for Neutropenia, severe congenital, 1, autosomal dominant; Cyclical neutropenia. Last evaluated: 2023-02-13. Review status: criteria provided, single submitter. Criteria: Invitae Variant Classification Sherloc (09022015). Collection method: clinical testing. Allele origin: germline.
Comment: In summary, the currently available evidence indicates that the variant is pathogenic, but additional data are needed to prove that conclusively. Therefore, this variant has been classified as Likely Pathogenic. This sequence change affects an acceptor splice site in intron 3 of the ELANE gene. It is expected to disrupt RNA splicing. Variants that disrupt the donor or acceptor splice site typically lead to a loss of protein function (PMID: 16199547), however the current clinical and genetic evidence is not sufficient to establish whether loss-of-function variants in ELANE cause disease. This variant is not present in population databases (gnomAD no frequency). Disruption of this splice site has been observed in individuals with severe congenital neutropenia (PMID: 22624626, 25427142; Invitae). Algorithms developed to predict the effect of sequence changes on RNA splicing suggest that this variant may disrupt the consensus splice site.

Literature cited by the submitters: PubMed 16199547; PubMed 22624626; PubMed 25427142.